The following is an entry in ClinVar:

NM_001605.3(AARS1):c.1992+1G>A

Gene: AARS1 (alanyl-tRNA synthetase 1; minus strand). Cytogenetic location: 16q22.1.
Variant type: single nucleotide variant.
Coding change: c.1992+1G>A on transcript NM_001605.3 (MANE Select); the canonical splice donor site of the intron after coding-DNA position 1992, G replaced by A.
Molecular consequence: splice donor variant.
Genome position (GRCh38, 1-based): chr16:70,258,979, C>T on the plus strand (G>A on the coding strand, the complement: AARS1 is on the minus strand). VCF-style: chr16-70258979-C-T. GRCh37 (hg19) VCF-style: chr16-70292882-C-T.
Identifiers: ClinVar variation 1682179 (VCV001682179.6), dbSNP rs1960065852, ClinGen allele CA396557881.

ClinVar aggregate classification (germline): Likely pathogenic (1 of 4 stars; one submission).

Conditions:
Charcot-Marie-Tooth disease type 2. Also called: Charcot-Marie-Tooth type 2. Identifiers: Orphanet 64746, MedGen C0270914, MONDO:0018993.

Allele frequency attached by ClinVar (database versions not stated): gnomAD exomes below 0.00001.
gnomAD v4.1: 4 of 1,614,144 alleles (0.00025%); highest among the groups gnomAD compares: Non-Finnish European, 0.00034%; no homozygotes.

Submission:

Labcorp Genetics (formerly Invitae), Labcorp
Classification: Likely pathogenic for Charcot-Marie-Tooth disease type 2. Last evaluated: 2024-04-07. Review status: criteria provided, single submitter. Criteria: Invitae Variant Classification Sherloc (09022015). Collection method: clinical testing. Allele origin: germline.
Comment: This sequence change affects a donor splice site in intron 14 of the AARS gene. It is expected to disrupt RNA splicing. Variants that disrupt the donor or acceptor splice site typically lead to a loss of protein function (PMID: 16199547), and loss-of-function variants in AARS are known to be pathogenic (PMID: 25817015, 28493438, 34446925). This variant is not present in population databases (gnomAD no frequency). This variant has not been reported in the literature in individuals affected with AARS-related conditions. ClinVar contains an entry for this variant (Variation ID: 1682179). Algorithms developed to predict the effect of sequence changes on RNA splicing suggest that this variant may disrupt the consensus splice site. In summary, the currently available evidence indicates that the variant is pathogenic, but additional data are needed to prove that conclusively. Therefore, this variant has been classified as Likely Pathogenic.

Literature cited by the submitters: PubMed 16199547; PubMed 25817015; PubMed 28493438; PubMed 34446925.